The following is an entry in ClinVar:

ClinVar aggregate classification (germline): Likely pathogenic (0 of 4 stars; one submission).

Conditions:
CHRNA3-related disorder. Also called: CHRNA3-related condition.

Submission:

PreventionGenetics, part of Exact Sciences
Classification: Likely pathogenic for CHRNA3-related condition. Last evaluated: 2024-09-13. Review status: no assertion criteria provided. Collection method: clinical testing. Allele origin: germline.
Comment: The CHRNA3 c.518dupG variant is predicted to result in a frameshift and premature protein termination (p.Cys173Trpfs*12). To our knowledge, this variant has not been reported in the literature or in a large population database, indicating this variant is rare. Frameshift variants in CHRNA3 are expected to be pathogenic. This variant is interpreted as likely pathogenic.

NM_000743.5(CHRNA3):c.518dup (p.Cys173fs)

Gene: CHRNA3 (cholinergic receptor nicotinic alpha 3 subunit; minus strand). Cytogenetic location: 15q25.1.
Variant type: Duplication.
Coding change: c.518dup on transcript NM_000743.5 (MANE Select); coding-DNA position 518, one base duplicated (G; older notation c.518dupG).
Protein change: p.Cys173fs; shifts the reading frame from cysteine 173.
Molecular consequence: frameshift variant. On other transcripts: non-coding transcript variant (1).
Genome position (GRCh38, 1-based): chr15:78,602,124, C duplicated on the plus strand (G on the coding strand, the reverse complement: CHRNA3 is on the minus strand). VCF-style (leftmost placement, unchanged base first): chr15-78602123-A-AC. GRCh37 (hg19) VCF-style: chr15-78894465-A-AC.
Other names: c.518dup, p.Cys173fs (NM_001166694.2); short protein forms C173fs.
Identifiers: ClinVar variation 3346750 (VCV003346750.1).